The following is an entry in ClinVar:

NM_004415.4(DSP):c.1751del (p.Glu584fs)

Gene: DSP (desmoplakin; plus strand). Cytogenetic location: 6p24.3.
Variant type: Deletion.
Coding change: c.1751del on transcript NM_004415.4 (MANE Select); coding-DNA position 1751, one base deleted (A; older notation c.1751delA).
Protein change: p.Glu584fs; shifts the reading frame from glutamic acid 584.
Molecular consequence: frameshift variant.
Genome position (GRCh38, 1-based): chr6:7,571,432, A deleted. VCF-style (leftmost placement, unchanged base first): chr6-7571431-GA-G. GRCh37 (hg19) VCF-style: chr6-7571664-GA-G.
Other names: c.1751del (LRG_423t1); c.1751del, p.Glu584fs (NM_001008844.3, NM_001319034.2); short protein forms E584fs.
Identifiers: ClinVar variation 179720 (VCV000179720.7), dbSNP rs727505077, ClinGen allele CA005141.
Genomic context (GRCh38, chr6:7,571,431, plus strand): 5'-GTCTCCTTTCAGCTGAAAACAATGCGGCAGGAAGATTACATGAAGACGATAGCCGACCTT[GA>G]GTTACATTACCAAGAGTTCATCAGAAATAGCCAAGGCTCAGAGATGTTTGGAGATGATGA-3'

ClinVar aggregate classification (germline): Pathogenic/Likely pathogenic. Review status: criteria provided, multiple submitters, no conflicts (2 of 4 stars). 2 submissions from 2 submitters: Pathogenic (1); Likely pathogenic (1). Last evaluated 2023-02-10.

Conditions:
Cardiovascular phenotype. Identifiers: MedGen CN230736.
Arrhythmogenic right ventricular cardiomyopathy (ARVD). Also called: Arrhythmogenic cardiomyopathy; Arrhythmogenic Right Ventricular Cardiomyopathy (ARVC); Cardiomyopathy, ARVC; Arrhythmogenic right ventricular dysplasia. Identifiers: Orphanet 247, MedGen C0349788, MeSH D019571, MONDO:0016587. Disease mechanism: loss of function. Inheritance: Various modes of inheritance.

Submissions (2):

Ambry Genetics
Classification: Pathogenic for Cardiovascular phenotype. Last evaluated: 2023-02-10. Review status: criteria provided, single submitter. Criteria: Ambry Variant Classification Scheme 2023. Collection method: clinical testing. Allele origin: germline.
Comment: The c.1751delA pathogenic mutation, located in coding exon 14 of the DSP gene, results from a deletion of one nucleotide at nucleotide position 1751, causing a translational frameshift with a predicted alternate stop codon (p.E584Gfs*52). This variant has been detected in a cohort of patients from referral centers seeing patients for dilated cardiomyopathy and arrhythmogenic right ventricular cardiomyopathy diagnoses; however, details were limited (Smith ED et al. Circulation. 2020 Jun;141(23):1872-1884). This variant is considered to be rare based on population cohorts in the Genome Aggregation Database (gnomAD). Alterations in DSP that result in haploinsufficiency or protein truncation have been reported in patients with arrhythmogenic right ventricular cardiomyopathy (ARVC) and dilated cardiomyopathy (DCM) (Fressart V et al. Europace. 2010;12(6):861-8; Elliott P et al. Circ Cardiovasc Genet. 2010;3(4):314-22; Quarta G et al. Circulation. 2011;123(23):2701-9; Garcia-Pavia P et al. Heart. 2011;97(21):1744-52; Rasmussen TB et al. Clin Genet. 2013;84(1):20-30; Pugh TJ et al. Genet Med. 2014;16(8):601-8). This alteration is expected to result in loss of function by premature protein truncation or nonsense-mediated mRNA decay. Based on the supporting evidence, this alteration is interpreted as a disease-causing mutation.

Laboratory for Molecular Medicine, Mass General Brigham Personalized Medicine
Classification: Likely pathogenic for Arrhythmogenic right ventricular cardiomyopathy. Last evaluated: 2021-01-06. Review status: criteria provided, single submitter. Criteria: LMM Criteria. Collection method: clinical testing. Allele origin: germline. Inheritance: Autosomal dominant inheritance. Observed: 2 variant alleles.
Comment: This variant is predicted to cause a frameshift, which alters the protein's amino acid sequence beginning at position 584 and lead to a premature termination codon 52 amino acids downstream. This alteration is then predicted to lead to a truncated or absent protein. Loss of function of the DSP gene is an established disease mechanism in autosomal dominant arrhythmogenic right ventricular cardiomyopathy (ARVC) and autosomal recessive Carvajal syndrome. DSP loss of function variants have also been reported in individuals with DCM. In summary, although additional studies are required to fully establish its clinical significance, this variant meets criteria to be classified as likely pathogenic for autosomal dominant ARVC (which can present with DCM) and autosomal recessive Carvajal syndrome. ACMG/AMP criteria applied: PVS1, PM2_Supporting.

Literature cited by the submitters: PubMed 32372669 (cited by Ambry Genetics).